The following is an entry in ClinVar:

ClinVar aggregate classification (germline): Uncertain significance (1 of 4 stars; one submission).

Submission:

GeneDx
Classification: Uncertain significance. Last evaluated: 2024-04-24. Review status: criteria provided, single submitter. Criteria: GeneDx Variant Classification Process June 2021. Collection method: clinical testing. Allele origin: germline. Affected: yes.
Comment: Has not been previously published as pathogenic or benign to our knowledge; Not observed at significant frequency in large population cohorts (gnomAD); In silico analysis indicates that this missense variant does not alter protein structure/function

NM_001292034.3(TAB2):c.176A>G (p.Asp59Gly)

Gene: TAB2 (TGF-beta activated kinase 1 (MAP3K7) binding protein 2; plus strand). Cytogenetic location: 6q25.1.
Variant type: single nucleotide variant.
Coding change: c.176A>G on transcript NM_001292034.3 (MANE Select); coding-DNA position 176, A replaced by G.
Protein change: p.Asp59Gly; replaces aspartic acid 59 with glycine.
Molecular consequence: missense variant.
Genome position (GRCh38, 1-based): chr6:149,378,091, A>G. VCF-style: chr6-149378091-A-G. GRCh37 (hg19) VCF-style: chr6-149699227-A-G.
Other names: c.80A>G, p.Asp27Gly (NM_001292035.3); c.176A>G, p.Asp59Gly (NM_001369506.1, NM_015093.6); short protein forms D27G, D59G.
Identifiers: ClinVar variation 3373059 (VCV003373059.1).